The following is an entry in ClinVar:

NM_006348.5(COG5):c.1744C>G (p.Leu582Val)

Gene: COG5 (component of oligomeric golgi complex 5; minus strand). Cytogenetic location: 7q22.3.
Variant type: single nucleotide variant.
Coding change: c.1744C>G on transcript NM_006348.5 (MANE Select); coding-DNA position 1744, C replaced by G.
Protein change: p.Leu582Val; replaces leucine 582 with valine.
Molecular consequence: missense variant. On other transcripts: intron variant (2).
Genome position (GRCh38, 1-based): chr7:107,256,737, G>C on the plus strand (C>G on the coding strand, the complement: COG5 is on the minus strand). VCF-style: chr7-107256737-G-C. GRCh37 (hg19) VCF-style: chr7-106897182-G-C.
Other names: c.1744C>G, p.Leu582Val (NM_001161520.2, NM_001379513.1, NM_001379514.1); c.1582C>G, p.Leu528Val (NM_001379511.1); c.1174C>G, p.Leu392Val (NM_001379515.1); c.1030C>G, p.Leu344Val (NM_001379516.1); c.1576-8238C>G (NM_001379512.1); c.1686+1536C>G (NM_181733.4); short protein forms L582V, L392V, L344V, L528V.
Identifiers: ClinVar variation 2787068 (VCV002787068.3), dbSNP rs755707922, ClinGen allele CA4430814.

ClinVar aggregate classification (germline): Uncertain significance (1 of 4 stars; one submission).

Conditions:
COG5-congenital disorder of glycosylation. Also called: COG5-CDG; CDG IIi; CONGENITAL DISORDER OF GLYCOSYLATION, TYPE IIi. Identifiers: Orphanet 263487, MedGen C3150876, MONDO:0013325, OMIM 613612.

Allele frequency attached by ClinVar (database versions not stated): gnomAD exomes below 0.00001; TOPMed below 0.00001; ExAC 0.00001; gnomAD 0.00001.
gnomAD v4.1: 4 of 1,606,614 alleles (0.00025%); highest among the groups gnomAD compares: African/African-American, 0.0027%; no homozygotes.

Submission:

Labcorp Genetics (formerly Invitae), Labcorp
Classification: Uncertain significance for COG5-congenital disorder of glycosylation. Last evaluated: 2024-05-15. Review status: criteria provided, single submitter. Criteria: Invitae Variant Classification Sherloc (09022015). Collection method: clinical testing. Allele origin: germline.
Comment: This sequence change replaces leucine, which is neutral and non-polar, with valine, which is neutral and non-polar, at codon 613 of the COG5 protein (p.Leu613Val). The frequency data for this variant in the population databases is considered unreliable, as metrics indicate poor data quality at this position in the gnomAD database. This variant has not been reported in the literature in individuals affected with COG5-related conditions. An algorithm developed to predict the effect of missense changes on protein structure and function (PolyPhen-2) suggests that this variant is likely to be disruptive. In summary, the available evidence is currently insufficient to determine the role of this variant in disease. Therefore, it has been classified as a Variant of Uncertain Significance.